The following is an entry in ClinVar:

ClinVar aggregate classification (germline): Uncertain significance (1 of 4 stars; one submission).

Conditions:
Cerebellar hypoplasia-intellectual disability-congenital microcephaly-dystonia-anemia-growth retardation syndrome. Also called: CIMDAG SYNDROME; CEREBELLAR HYPOPLASIA, CATARACTS, IMPAIRED INTELLECTUAL DEVELOPMENT, CONGENITAL MICROCEPHALY, DYSTONIA, DYSERYTHROPOIETIC ANEMIA, AND GROWTH RETARDATION. Identifiers: Orphanet 603448, MedGen C5543287, MONDO:0035819, OMIM 619273.

Submission:

3billion
Classification: Uncertain significance for Cerebellar hypoplasia-intellectual disability-congenital microcephaly-dystonia-anemia-growth retardation syndrome. Last evaluated: 2025-07-15. Review status: criteria provided, single submitter. Criteria: ACMG Guidelines, 2015. Collection method: clinical testing. Allele origin: germline. Affected: yes.
Comment: The variant is not observed in the gnomAD v4.1.0 dataset. Predicted Consequence/Location: Intron variant In silico tools predict the variant to alter splicing and produce an abnormal transcript [SpliceAI: 0.40 (>=0.2, moderate evidence for spliceogenicity)]. Therefore, this variant is classified as VUS according to the recommendation of ACMG/AMP guideline.

NM_013245.3(VPS4A):c.852-35C>A

Gene: VPS4A (vacuolar protein sorting 4 homolog A; plus strand). Cytogenetic location: 16q22.1.
Variant type: single nucleotide variant.
Coding change: c.852-35C>A on transcript NM_013245.3 (MANE Select); 35 bases into the intron before coding-DNA position 852, C replaced by A.
Molecular consequence: intron variant.
Genome position (GRCh38, 1-based): chr16:69,321,016, C>A. VCF-style: chr16-69321016-C-A. GRCh37 (hg19) VCF-style: chr16-69354919-C-A.
Identifiers: ClinVar variation 4853990 (VCV004853990.1).